The following is an entry in ClinVar:

ClinVar aggregate classification (germline): Conflicting classifications of pathogenicity. Review status: criteria provided, conflicting classifications (1 of 4 stars). 3 submissions from 3 submitters: Uncertain significance (2); Likely benign (1). Last evaluated 2024-11-20.

Conditions:
Inborn genetic diseases. Identifiers: MedGen C0950123, MeSH D030342.

Allele frequency attached by ClinVar (database versions not stated): ESP Exome Variant Server 0.00038; TOPMed 0.00044; 1000 Genomes Project 30x 0.00062.
gnomAD v4.1: 1,336 of 1,614,124 alleles (0.083%); highest among the groups gnomAD compares: Non-Finnish European, 0.1%; no homozygotes.

Submissions (3):

Blueprint Genetics
Classification: Likely benign. Last evaluated: 2024-11-20. Review status: criteria provided, single submitter. Criteria: ACMG Guidelines, 2015. Collection method: clinical testing. Allele origin: germline.

Labcorp Genetics (formerly Invitae), Labcorp
Classification: Uncertain significance. Last evaluated: 2022-08-09. Review status: criteria provided, single submitter. Criteria: Invitae Variant Classification Sherloc (09022015). Collection method: clinical testing. Allele origin: germline.
Comment: This sequence change replaces proline, which is neutral and non-polar, with serine, which is neutral and polar, at codon 839 of the LAMA1 protein (p.Pro839Ser). This variant is present in population databases (rs143031283, gnomAD 0.1%), and has an allele count higher than expected for a pathogenic variant. This variant has not been reported in the literature in individuals affected with LAMA1-related conditions. ClinVar contains an entry for this variant (Variation ID: 1511061). Algorithms developed to predict the effect of missense changes on protein structure and function are either unavailable or do not agree on the potential impact of this missense change (SIFT: "Deleterious"; PolyPhen-2: "Probably Damaging"; Align-GVGD: "Class C0"). In summary, the available evidence is currently insufficient to determine the role of this variant in disease. Therefore, it has been classified as a Variant of Uncertain Significance.

Ambry Genetics
Classification: Uncertain significance for Inborn genetic diseases. Last evaluated: 2022-07-17. Review status: criteria provided, single submitter. Criteria: Ambry Variant Classification Scheme 2023. Collection method: clinical testing. Allele origin: germline.

NM_005559.4(LAMA1):c.2515C>T (p.Pro839Ser)

Gene: LAMA1 (laminin subunit alpha 1; minus strand). Cytogenetic location: 18p11.31.
Variant type: single nucleotide variant.
Coding change: c.2515C>T on transcript NM_005559.4 (MANE Select); coding-DNA position 2515, C replaced by T.
Protein change: p.Pro839Ser; replaces proline 839 with serine.
Molecular consequence: missense variant.
Genome position (GRCh38, 1-based): chr18:7,023,350, G>A on the plus strand (C>T on the coding strand, the complement: LAMA1 is on the minus strand). VCF-style: chr18-7023350-G-A. GRCh37 (hg19) VCF-style: chr18-7023349-G-A.
Other names: c.2515C>T (NM_005559.3); short protein forms P839S.
Identifiers: ClinVar variation 1511061 (VCV001511061.7), dbSNP rs143031283, ClinGen allele CA8882613.